The following is an entry in ClinVar:

NM_002485.5(NBN):c.2083G>T (p.Gly695Ter)

Gene: NBN (nibrin; minus strand). Cytogenetic location: 8q21.3.
Variant type: single nucleotide variant.
Coding change: c.2083G>T on transcript NM_002485.5 (MANE Select); coding-DNA position 2083, G replaced by T.
Protein change: p.Gly695Ter; replaces glycine 695 with a stop codon.
Molecular consequence: nonsense.
Genome position (GRCh38, 1-based): chr8:89,943,354, C>A on the plus strand (G>T on the coding strand, the complement: NBN is on the minus strand). VCF-style: chr8-89943354-C-A. GRCh37 (hg19) VCF-style: chr8-90955582-C-A.
Other names: c.1837G>T, p.Gly613Ter (NM_001024688.3); short protein forms G695*, G613*.
Identifiers: ClinVar variation 461538 (VCV000461538.6), dbSNP rs1554555835, ClinGen allele CA371675852.
Genomic context (GRCh38, chr8:89,943,354, plus strand): 5'-TTCGAGCATGATGAGCTATTAGATCTGATCCTCCAATGATGTGTGGAAGTTTTCCTGCTC[C>A]AGGATATGTGACCTATTGAATAATAAAAGTAGTACAGTAAATCATATTAACAAACAAAAA-3'

ClinVar aggregate classification (germline): Pathogenic (1 of 4 stars; one submission).

Conditions:
Microcephaly, normal intelligence and immunodeficiency (NBS). Also called: IMMUNODEFICIENCY, MICROCEPHALY, AND CHROMOSOMAL INSTABILITY; SEEMANOVA SYNDROME II; Nijmegen breakage syndrome; Microcephaly with normal intelligence immunodeficiency and lymphoreticular malignancies; Nonsyndromal microcephaly autosomal recessive with normal intelligence; Seemanova syndrome 2. Identifiers: Orphanet 647, MedGen C0398791, MONDO:0009623, OMIM 251260.

Submission:

Labcorp Genetics (formerly Invitae), Labcorp
Classification: Pathogenic for Microcephaly, normal intelligence and immunodeficiency. Last evaluated: 2021-12-08. Review status: criteria provided, single submitter. Criteria: Invitae Variant Classification Sherloc (09022015). Collection method: clinical testing. Allele origin: germline.
Comment: This sequence change creates a premature translational stop signal (p.Gly695*) in the NBN gene. It is expected to result in an absent or disrupted protein product. Loss-of-function variants in NBN are known to be pathogenic (PMID: 9590180, 16415040). This variant is not present in population databases (gnomAD no frequency). This variant has not been reported in the literature in individuals affected with NBN-related conditions. ClinVar contains an entry for this variant (Variation ID: 461538). For these reasons, this variant has been classified as Pathogenic.

Literature cited by the submitters: PubMed 9590180; PubMed 16415040.